The following is an entry in ClinVar:

ClinVar aggregate classification (germline): Benign/Likely benign. Review status: criteria provided, multiple submitters, no conflicts (2 of 4 stars). 3 submissions from 3 submitters: Benign (1); Likely benign (1). 1 of the submissions does not count toward it. Last evaluated 2025-06-12.

Conditions:
MACF1-related disorder. Also called: MACF1-related condition.

Allele frequency attached by ClinVar (database versions not stated): gnomAD exomes 0.00106; ExAC 0.00141; gnomAD 0.00383 and 0.00406; 1000 Genomes Project 30x 0.00468; 1000 Genomes Project 0.00499; ESP Exome Variant Server 0.00523.
gnomAD v4.1: 1,050 of 1,613,102 alleles (0.065%); highest among the groups gnomAD compares: African/African-American, 1.3%; 7 homozygotes.

Submissions (3):

Labcorp Genetics (formerly Invitae), Labcorp
Classification: Benign. Last evaluated: 2025-06-12. Review status: criteria provided, single submitter. Criteria: Invitae Variant Classification Sherloc (09022015). Collection method: clinical testing. Allele origin: germline.

Blueprint Genetics
Classification: Likely benign. Last evaluated: 2024-08-30. Review status: criteria provided, single submitter. Criteria: ACMG Guidelines, 2015. Collection method: clinical testing. Allele origin: germline.

PreventionGenetics, part of Exact Sciences
Classification: Benign for MACF1-related condition. Last evaluated: 2022-10-12. Review status: no assertion criteria provided. Collection method: clinical testing. Allele origin: germline. Not counted in ClinVar's aggregate classification.
Comment: This variant is classified as benign based on ACMG/AMP sequence variant interpretation guidelines (Richards et al. 2015 PMID: 25741868, with internal and published modifications).

NM_001394062.1(MACF1):c.1508+9C>T

Gene: MACF1 (microtubule actin crosslinking factor 1; plus strand). Cytogenetic location: 1p34.3.
Variant type: single nucleotide variant.
Coding change: c.1508+9C>T on transcript NM_001394062.1 (MANE Select); 9 bases into the intron after coding-DNA position 1508, C replaced by T.
Molecular consequence: intron variant.
Genome position (GRCh38, 1-based): chr1:39,285,767, C>T. VCF-style: chr1-39285767-C-T. GRCh37 (hg19) VCF-style: chr1-39751439-C-T.
Other names: c.1523+9C>T (NM_012090.5).
Identifiers: ClinVar variation 1666150 (VCV001666150.11), dbSNP rs144590865, ClinGen allele CA779447.
Genomic context (GRCh38, chr1:39,285,767, plus strand): 5'-TCCAGATCCTGCGGGATGAGAATTACTACCAGCTAGAAGAGCTGGCTTTTAGGTGAGGAA[C>T]AAGGGACTCAAATGGAGGGCTTGCTTGCTTACTGCTGAGGCTCATGGATCAAGAGTAGAG-3'